The following is an entry in ClinVar:

ClinVar aggregate classification (germline): Uncertain significance (1 of 4 stars; one submission).

Conditions:
Colorectal cancer, hereditary nonpolyposis, type 7. Identifiers: Orphanet 144, MedGen C1858380, MONDO:0013725, OMIM 614385.

Submission:

Labcorp Genetics (formerly Invitae), Labcorp
Classification: Uncertain significance for Colorectal cancer, hereditary nonpolyposis, type 7. Last evaluated: 2023-12-18. Review status: criteria provided, single submitter. Criteria: Invitae Variant Classification Sherloc (09022015). Collection method: clinical testing. Allele origin: germline.
Comment: This sequence change falls in intron 8 of the MLH3 gene. It does not directly change the encoded amino acid sequence of the MLH3 protein. This variant is not present in population databases (gnomAD no frequency). This variant has not been reported in the literature in individuals affected with MLH3-related conditions. Algorithms developed to predict the effect of sequence changes on RNA splicing suggest that this variant may disrupt the consensus splice site. In summary, the available evidence is currently insufficient to determine the role of this variant in disease. Therefore, it has been classified as a Variant of Uncertain Significance.

NM_001040108.2(MLH3):c.3828-7T>A

Gene: MLH3 (mutL homolog 3; minus strand). Cytogenetic location: 14q24.3.
Variant type: single nucleotide variant.
Coding change: c.3828-7T>A on transcript NM_001040108.2 (MANE Select); 7 bases into the intron before coding-DNA position 3828, T replaced by A.
Molecular consequence: intron variant.
Genome position (GRCh38, 1-based): chr14:75,030,709, A>T on the plus strand (T>A on the coding strand, the complement: MLH3 is on the minus strand). VCF-style: chr14-75030709-A-T. GRCh37 (hg19) VCF-style: chr14-75497412-A-T.
Other names: c.3756-7T>A (NM_014381.3).
Identifiers: ClinVar variation 2904611 (VCV002904611.3), dbSNP rs2503120197, ClinGen allele CA390423564.